The following is an entry in ClinVar:

NM_024529.5(CDC73):c.620C>A (p.Ala207Asp)

Gene: CDC73 (cell division cycle 73; plus strand). Cytogenetic location: 1q31.2.
Variant type: single nucleotide variant.
Coding change: c.620C>A on transcript NM_024529.5 (MANE Select); coding-DNA position 620, C replaced by A.
Protein change: p.Ala207Asp; replaces alanine 207 with aspartic acid.
Molecular consequence: missense variant.
Genome position (GRCh38, 1-based): chr1:193,141,957, C>A. VCF-style: chr1-193141957-C-A. GRCh37 (hg19) VCF-style: chr1-193111087-C-A.
Other names: short protein forms A207D.
Identifiers: ClinVar variation 3227879 (VCV003227879.1), dbSNP rs2103126249, ClinGen allele CA343962547.

ClinVar aggregate classification (germline): Uncertain significance (1 of 4 stars; one submission).

Conditions:
Hereditary cancer-predisposing syndrome. Also called: Neoplastic Syndromes, Hereditary; Tumor predisposition; Hereditary neoplastic syndrome; Hereditary Cancer Syndrome. Identifiers: Orphanet 140162, MedGen C0027672, MeSH D009386, MONDO:0015356.

Submission:

Ambry Genetics
Classification: Uncertain significance for Hereditary cancer-predisposing syndrome. Last evaluated: 2023-11-10. Review status: criteria provided, single submitter. Criteria: Ambry Variant Classification Scheme 2023. Collection method: clinical testing. Allele origin: germline.
Comment: The p.A207D variant (also known as c.620C>A), located in coding exon 7 of the CDC73 gene, results from a C to A substitution at nucleotide position 620. The alanine at codon 207 is replaced by aspartic acid, an amino acid with dissimilar properties. This amino acid position is conserved. In addition, the in silico prediction for this alteration is inconclusive. Since supporting evidence is limited at this time, the clinical significance of this alteration remains unclear.